The following is an entry in ClinVar:

NC_000023.11:g.106693986A>C

Gene: RNF128 (ring finger protein 128; plus strand). Cytogenetic location: Xq22.3.
Variant type: single nucleotide variant.
Molecular consequence: 5 prime UTR variant (on NM_024539.3).
Genome position: GRCh38 VCF-style: chrX-106693986-A-C. GRCh37 (hg19) VCF-style: chrX-105937216-A-C.
Other names: c.-17A>C (NM_024539.3).
Identifiers: ClinVar variation 3032710 (VCV003032710.2), dbSNP rs776856092, ClinGen allele CA10482523.

ClinVar aggregate classification (germline): Likely benign (0 of 4 stars; one submission).

Conditions:
RNF128-related disorder. Also called: RNF128-related condition.

Allele frequency attached by ClinVar (database versions not stated): gnomAD 0.00005; ExAC 0.00053; TOPMed 0.00007.
gnomAD v4.1: 110 of 1,164,444 alleles (0.0094%); highest among the groups gnomAD compares: Non-Finnish European, 0.011%; 1 homozygote.

Submission:

PreventionGenetics, part of Exact Sciences
Classification: Likely benign for RNF128-related condition. Last evaluated: 2022-02-22. Review status: no assertion criteria provided. Collection method: clinical testing. Allele origin: germline.
Comment: This variant is classified as likely benign based on ACMG/AMP sequence variant interpretation guidelines (Richards et al. 2015 PMID: 25741868, with internal and published modifications).